The following is an entry in ClinVar:

ClinVar aggregate classification (germline): Uncertain significance. Review status: criteria provided, multiple submitters, no conflicts (2 of 4 stars). 2 submissions from 2 submitters: Uncertain significance (2). Last evaluated 2025-01-23.

Conditions:
Kabuki syndrome. Also called: NIIKAWA-KUROKI SYNDROME; Kabuki make-up syndrome. Identifiers: Orphanet 2322, MedGen C0796004, MONDO:0016512.

gnomAD v4.1: 1 of 1,551,666 alleles (0.000064%); highest among the groups gnomAD compares: South Asian, 0.0012%; no homozygotes.

Submissions (2):

Labcorp Genetics (formerly Invitae), Labcorp
Classification: Uncertain significance for Kabuki syndrome. Last evaluated: 2025-01-23. Review status: criteria provided, single submitter. Criteria: Invitae Variant Classification Sherloc (09022015). Collection method: clinical testing. Allele origin: germline.
Comment: This sequence change replaces glutamine, which is neutral and polar, with leucine, which is neutral and non-polar, at codon 3877 of the KMT2D protein (p.Gln3877Leu). This variant is not present in population databases (gnomAD no frequency). This variant has not been reported in the literature in individuals affected with KMT2D-related conditions. Invitae Evidence Modeling of protein sequence and biophysical properties (such as structural, functional, and spatial information, amino acid conservation, physicochemical variation, residue mobility, and thermodynamic stability) indicates that this missense variant is not expected to disrupt KMT2D protein function with a negative predictive value of 95%. In summary, the available evidence is currently insufficient to determine the role of this variant in disease. Therefore, it has been classified as a Variant of Uncertain Significance.

GeneDx
Classification: Uncertain significance. Last evaluated: 2023-09-07. Review status: criteria provided, single submitter. Criteria: GeneDx Variant Classification Process June 2021. Collection method: clinical testing. Allele origin: germline. Affected: yes.
Comment: Not observed at significant frequency in large population cohorts (gnomAD); In silico analysis supports that this missense variant does not alter protein structure/function; Has not been previously published as pathogenic or benign to our knowledge

NM_003482.4(KMT2D):c.11630A>T (p.Gln3877Leu)

Gene: KMT2D (lysine methyltransferase 2D; minus strand). Cytogenetic location: 12q13.12.
Variant type: single nucleotide variant.
Coding change: c.11630A>T on transcript NM_003482.4 (MANE Select); coding-DNA position 11630, A replaced by T.
Protein change: p.Gln3877Leu; replaces glutamine 3877 with leucine.
Molecular consequence: missense variant.
Genome position (GRCh38, 1-based): chr12:49,033,075, T>A on the plus strand (A>T on the coding strand, the complement: KMT2D is on the minus strand). VCF-style: chr12-49033075-T-A. GRCh37 (hg19) VCF-style: chr12-49426858-T-A.
Other names: short protein forms Q3877L.
Identifiers: ClinVar variation 3340556 (VCV003340556.3).